The following is an entry in ClinVar:

ClinVar aggregate classification (germline): Conflicting classifications of pathogenicity. Review status: criteria provided, conflicting classifications (1 of 4 stars). 8 submissions from 8 submitters: Uncertain significance (5); Likely benign (3). Last evaluated 2025-10-18.

Conditions:
Hereditary cancer-predisposing syndrome. Also called: Hereditary Cancer Syndrome; Neoplastic Syndromes, Hereditary; Tumor predisposition; Hereditary neoplastic syndrome. Identifiers: Orphanet 140162, MedGen C0027672, MeSH D009386, MONDO:0015356.
Breast-ovarian cancer, familial, susceptibility to, 2 (BROVCA2). Also called: BRCA2 Hereditary Breast and Ovarian Cancer. Identifiers: Orphanet 145, MedGen C2675520, MONDO:0012933, OMIM 612555. Disease mechanism: loss of function.
Hereditary breast ovarian cancer syndrome. Also called: Hereditary breast and/or ovarian cancer syndrome; BRCA1- and BRCA2-Associated Hereditary Breast and Ovarian Cancer; Hereditary breast and ovarian cancer syndrome (HBOC); Hereditary breast and ovarian cancer; Hereditary breast and ovarian cancer syndrome; Breast and ovarian cancer. Identifiers: Orphanet 145, MedGen C0677776, MeSH D061325, MONDO:0003582. Disease mechanism: loss of function.

Allele frequency attached by ClinVar (database versions not stated): TOPMed below 0.00001; gnomAD 0.00001; gnomAD exomes 0.00001.
gnomAD v4.1: 12 of 1,614,006 alleles (0.00074%); highest among the groups gnomAD compares: Non-Finnish European, 0.00093%; no homozygotes.

Submissions (8):

Labcorp Genetics (formerly Invitae), Labcorp
Classification: Uncertain significance for Hereditary breast ovarian cancer syndrome. Last evaluated: 2025-10-18. Review status: criteria provided, single submitter. Criteria: Invitae Variant Classification Sherloc (09022015). Collection method: clinical testing. Allele origin: germline.
Comment: This sequence change replaces glutamine, which is neutral and polar, with histidine, which is basic and polar, at codon 716 of the BRCA2 protein (p.Gln716His). This variant is not present in population databases (gnomAD no frequency). This variant has not been reported in the literature in individuals affected with BRCA2-related conditions. ClinVar contains an entry for this variant (Variation ID: 232092). Invitae Evidence Modeling of protein sequence and biophysical properties (such as structural, functional, and spatial information, amino acid conservation, physicochemical variation, residue mobility, and thermodynamic stability) indicates that this missense variant is not expected to disrupt BRCA2 protein function with a negative predictive value of 95%. In summary, the available evidence is currently insufficient to determine the role of this variant in disease. Therefore, it has been classified as a Variant of Uncertain Significance.

Molecular Pathology, Peter Maccallum Cancer Centre
Classification: Likely benign for Breast-ovarian cancer, familial, susceptibility to, 2. Last evaluated: 2025-03-19. Review status: criteria provided, single submitter. Criteria: ACMG Guidelines, 2015. Collection method: clinical testing. Allele origin: germline. Inheritance: Autosomal dominant inheritance.

Color Diagnostics, LLC DBA Color Health
Classification: Uncertain significance for Hereditary cancer-predisposing syndrome. Last evaluated: 2024-05-31. Review status: criteria provided, single submitter. Criteria: ACMG Guidelines, 2015. Collection method: clinical testing. Allele origin: germline.
Comment: This missense variant replaces glutamine with histidine at codon 716 of the BRCA2 protein. Computational prediction suggests that this variant may not impact protein structure and function. To our knowledge, functional studies have not been reported for this variant. This variant has not been reported in individuals affected with BRCA2-related disorders in the literature. This variant has not been identified in the general population by the Genome Aggregation Database (gnomAD). The available evidence is insufficient to determine the role of this variant in disease conclusively. Therefore, this variant is classified as a Variant of Uncertain Significance.

All of Us Research Program, National Institutes of Health
Classification: Uncertain significance for Breast-ovarian cancer, familial, susceptibility to, 2. Last evaluated: 2023-05-04. Review status: criteria provided, single submitter. Criteria: ACMG Guidelines, 2015. Collection method: clinical testing. Allele origin: germline. Inheritance: Autosomal dominant inheritance. Observed: 1 variant allele, 1 heterozygote.
Comment: This missense variant replaces glutamine with histidine at codon 716 of the BRCA2 protein. Computational prediction suggests that this variant may not impact protein structure and function (internally defined REVEL score threshold <= 0.5, PMID: 27666373). To our knowledge, functional studies have not been reported for this variant. This variant has not been reported in individuals affected with BRCA2-related disorders in the literature. This variant has not been identified in the general population by the Genome Aggregation Database (gnomAD). The available evidence is insufficient to determine the role of this variant in disease conclusively. Therefore, this variant is classified as a Variant of Uncertain Significance.

This study involves interpretation of variants in research participants for the purpose of population health screening. Participant phenotype was not available at the time of variant classification. Additional details can be found in publication PMID: 35346344, PMCID: PMC8962531

University of Washington Department of Laboratory Medicine, University of Washington
Classification: Likely benign for Hereditary cancer-predisposing syndrome. Last evaluated: 2023-03-23. Review status: criteria provided, single submitter. Criteria: Dines et al. (Genet Med. 2020). Collection method: curation. Allele origin: germline.
Comment: Missense variant in a coldspot region where missense variants are very unlikely to be pathogenic (PMID:31911673).

BRCA2 exon 11 coldspot. Reclassification based on statistical prior probability.

Mendelics
Classification: Uncertain significance. Last evaluated: 2022-05-04. Review status: criteria provided, single submitter. Criteria: Mendelics Assertion Criteria 2019. Collection method: clinical testing. Allele origin: germline.

Ambry Genetics
Classification: Likely benign for Hereditary cancer-predisposing syndrome. Last evaluated: 2020-09-18. Review status: criteria provided, single submitter. Criteria: Ambry Variant Classification Scheme 2023. Collection method: clinical testing. Allele origin: germline.

GeneDx
Classification: Uncertain significance. Last evaluated: 2019-06-27. Review status: criteria provided, single submitter. Criteria: GeneDx Variant Classification Process June 2021. Collection method: clinical testing. Allele origin: germline. Affected: yes.
Comment: Not observed in large population cohorts (Lek et al., 2016); Has not been previously published as pathogenic or benign to our knowledge

NM_000059.4(BRCA2):c.2148G>C (p.Gln716His)

Gene: BRCA2 (BRCA2 DNA repair associated; plus strand). Cytogenetic location: 13q13.1.
Variant type: single nucleotide variant.
Coding change: c.2148G>C on transcript NM_000059.4 (MANE Select); coding-DNA position 2148, G replaced by C.
Protein change: p.Gln716His; replaces glutamine 716 with histidine.
Molecular consequence: missense variant.
Genome position (GRCh38, 1-based): chr13:32,336,503, G>C. VCF-style: chr13-32336503-G-C. GRCh37 (hg19) VCF-style: chr13-32910640-G-C.
Other names: short protein forms Q716H.
Identifiers: ClinVar variation 232092 (VCV000232092.27), dbSNP rs876659550, ClinGen allele CA10579524.